The following is an entry in ClinVar:

NM_001127208.3(TET2):c.961del (p.Gln321fs)

Genes: TET2-AS1 (TET2 antisense RNA 1; minus strand), TET2 (tet methylcytosine dioxygenase 2; plus strand). Cytogenetic location: 4q24.
Variant type: Deletion.
Coding change: c.961del on transcript NM_001127208.3 (MANE Select); coding-DNA position 961, one base deleted (C; older notation c.961delC).
Protein change: p.Gln321fs; shifts the reading frame from glutamine 321.
Molecular consequence: frameshift variant.
Genome position (GRCh38, 1-based): chr4:105,234,903, C deleted. VCF-style (leftmost placement, unchanged base first): chr4-105234902-AC-A. GRCh37 (hg19) VCF-style: chr4-106156059-AC-A.
Other names: c.961del, p.Gln321fs (NM_017628.4); short protein forms Q321fs.
Identifiers: ClinVar variation 2023957 (VCV002023957.4), dbSNP rs2476484912, ClinGen allele CA891841860.

ClinVar aggregate classification (germline): Pathogenic (1 of 4 stars; one submission).

Allele frequency attached by ClinVar (database versions not stated): gnomAD exomes below 0.00001.

Submission:

Labcorp Genetics (formerly Invitae), Labcorp
Classification: Pathogenic. Last evaluated: 2024-02-23. Review status: criteria provided, single submitter. Criteria: Invitae Variant Classification Sherloc (09022015). Collection method: clinical testing. Allele origin: germline.
Comment: This sequence change creates a premature translational stop signal (p.Gln321Asnfs*26) in the TET2 gene. It is expected to result in an absent or disrupted protein product. Loss-of-function variants in TET2 are known to be pathogenic (PMID: 36066697). This variant is not present in population databases (gnomAD no frequency). This variant has not been reported in the literature in individuals affected with TET2-related conditions. ClinVar contains an entry for this variant (Variation ID: 2023957). For these reasons, this variant has been classified as Pathogenic.

Literature cited by the submitters: PubMed 36066697.